The following is an entry in ClinVar:

NM_004187.5(KDM5C):c.4482G>C (p.Glu1494Asp)

Gene: KDM5C (lysine demethylase 5C; minus strand). Cytogenetic location: Xp11.22.
Variant type: single nucleotide variant.
Coding change: c.4482G>C on transcript NM_004187.5 (MANE Select); coding-DNA position 4482, G replaced by C.
Protein change: p.Glu1494Asp; replaces glutamic acid 1494 with aspartic acid.
Molecular consequence: missense variant. On other transcripts: intron variant (5).
Genome position (GRCh38, 1-based): chrX:53,193,168, C>G on the plus strand (G>C on the coding strand, the complement: KDM5C is on the minus strand). VCF-style: chrX-53193168-C-G. GRCh37 (hg19) VCF-style: chrX-53222350-C-G.
Other names: c.4479G>C, p.Glu1493Asp (NM_001282622.3); c.4473G>C, p.Glu1491Asp (NM_001353978.3); c.4305+269G>C (NM_001353982.2); c.4314+269G>C (NM_001353979.2); c.4308+269G>C (NM_001353981.2, NM_001353984.2); c.4046+330G>C (NM_001146702.2); short protein forms E1491D, E1493D, E1494D.
Identifiers: ClinVar variation 3634892 (VCV003634892.2).

ClinVar aggregate classification (germline): Uncertain significance (1 of 4 stars; one submission).

Conditions:
Spastic paraplegia. Identifiers: MedGen C0037772, HP:0001258.

Submission:

Labcorp Genetics (formerly Invitae), Labcorp
Classification: Uncertain significance for Spastic paraplegia. Last evaluated: 2025-05-19. Review status: criteria provided, single submitter. Criteria: Invitae Variant Classification Sherloc (09022015). Collection method: clinical testing. Allele origin: germline.
Comment: This sequence change replaces glutamic acid, which is acidic and polar, with aspartic acid, which is acidic and polar, at codon 1494 of the KDM5C protein (p.Glu1494Asp). This variant is not present in population databases (gnomAD no frequency). This variant has not been reported in the literature in individuals affected with KDM5C-related conditions. ClinVar contains an entry for this variant (Variation ID: 3634892). Invitae Evidence Modeling of protein sequence and biophysical properties (such as structural, functional, and spatial information, amino acid conservation, physicochemical variation, residue mobility, and thermodynamic stability) indicates that this missense variant is not expected to disrupt KDM5C protein function with a negative predictive value of 95%. In summary, the available evidence is currently insufficient to determine the role of this variant in disease. Therefore, it has been classified as a Variant of Uncertain Significance.